The following is an entry in ClinVar:

ClinVar aggregate classification (germline): Uncertain significance (1 of 4 stars; one submission).

Conditions:
Hereditary pancreatitis (PCTT). Also called: Hereditary chronic pancreatitis; PRSS1-Related Hereditary Pancreatitis. Identifiers: Orphanet 676, MedGen C0238339, MONDO:0008185, OMIM 167800.

Submission:

Ambry Genetics
Classification: Uncertain significance for Hereditary pancreatitis. Last evaluated: 2024-03-06. Review status: criteria provided, single submitter. Criteria: Ambry Variant Classification Scheme 2023. Collection method: clinical testing. Allele origin: germline.
Comment: The p.L104V variant (also known as c.310C>G), located in coding exon 3 of the PRSS1 gene, results from a C to G substitution at nucleotide position 310. The leucine at codon 104 is replaced by valine, an amino acid with highly similar properties. This amino acid position is not well conserved in available vertebrate species. In addition, this alteration is predicted to be tolerated by in silico analysis. Based on the available evidence, the clinical significance of this alteration remains unclear.

NM_002769.5(PRSS1):c.310C>G (p.Leu104Val)

Genes: PRSS1 (serine protease 1; plus strand), TRB (T cell receptor beta locus; plus strand). Cytogenetic location: 7q34.
Variant type: single nucleotide variant.
Coding change: c.310C>G on transcript NM_002769.5 (MANE Select); coding-DNA position 310, C replaced by G.
Protein change: p.Leu104Val; replaces leucine 104 with valine.
Molecular consequence: missense variant. On other transcripts: non-coding transcript variant (4).
Genome position (GRCh38, 1-based): chr7:142,751,883, C>G. VCF-style: chr7-142751883-C-G. GRCh37 (hg19) VCF-style: chr7-142459734-C-G.
Other names: short protein forms L104V.
Identifiers: ClinVar variation 3222799 (VCV003222799.1), dbSNP rs2485753540, ClinGen allele CA369608766.